The following is an entry in ClinVar:

ClinVar aggregate classification (germline): Uncertain significance (1 of 4 stars; one submission).

Allele frequency attached by ClinVar (database versions not stated): gnomAD 0.00001; TOPMed 0.00001; gnomAD exomes 0.00003; ExAC 0.00005.
gnomAD v4.1: 41 of 1,613,890 alleles (0.0025%); highest among the groups gnomAD compares: South Asian, 0.027%; no homozygotes.

Submission:

Labcorp Genetics (formerly Invitae), Labcorp
Classification: Uncertain significance. Last evaluated: 2022-11-23. Review status: criteria provided, single submitter. Criteria: Invitae Variant Classification Sherloc (09022015). Collection method: clinical testing. Allele origin: germline.
Comment: In summary, the available evidence is currently insufficient to determine the role of this variant in disease. Therefore, it has been classified as a Variant of Uncertain Significance. Advanced modeling of protein sequence and biophysical properties (such as structural, functional, and spatial information, amino acid conservation, physicochemical variation, residue mobility, and thermodynamic stability) has been performed at Invitae for this missense variant, however the output from this modeling did not meet the statistical confidence thresholds required to predict the impact of this variant on CBX2 protein function. This variant has not been reported in the literature in individuals affected with CBX2-related conditions. This variant is present in population databases (rs139509934, gnomAD 0.03%). This sequence change replaces arginine, which is basic and polar, with tryptophan, which is neutral and slightly polar, at codon 161 of the CBX2 protein (p.Arg161Trp).

NM_005189.3(CBX2):c.481C>T (p.Arg161Trp)

Gene: CBX2 (chromobox 2; plus strand). Cytogenetic location: 17q25.3.
Variant type: single nucleotide variant.
Coding change: c.481C>T on transcript NM_005189.3 (MANE Select); coding-DNA position 481, C replaced by T.
Protein change: p.Arg161Trp; replaces arginine 161 with tryptophan.
Molecular consequence: missense variant.
Genome position (GRCh38, 1-based): chr17:79,783,924, C>T. VCF-style: chr17-79783924-C-T. GRCh37 (hg19) VCF-style: chr17-77757723-C-T.
Other names: short protein forms R161W.
Identifiers: ClinVar variation 2161340 (VCV002161340.4), dbSNP rs139509934, ClinGen allele CA8811248.